The following is an entry in ClinVar:

ClinVar aggregate classification (germline): Uncertain significance (1 of 4 stars; one submission).

Allele frequency attached by ClinVar (database versions not stated): gnomAD 0.00001; gnomAD exomes 0.00002; TOPMed 0.00002; ExAC 0.00004.
gnomAD v4.1: 35 of 1,612,930 alleles (0.0022%); highest among the groups gnomAD compares: Admixed American, 0.005%; no homozygotes.

Submission:

Labcorp Genetics (formerly Invitae), Labcorp
Classification: Uncertain significance. Last evaluated: 2022-06-04. Review status: criteria provided, single submitter. Criteria: Invitae Variant Classification Sherloc (09022015). Collection method: clinical testing. Allele origin: germline.
Comment: This sequence change replaces alanine, which is neutral and non-polar, with valine, which is neutral and non-polar, at codon 2 of the YARS2 protein (p.Ala2Val). This variant is present in population databases (rs761092249, gnomAD 0.01%). This variant has not been reported in the literature in individuals affected with YARS2-related conditions. Advanced modeling of protein sequence and biophysical properties (such as structural, functional, and spatial information, amino acid conservation, physicochemical variation, residue mobility, and thermodynamic stability) performed at Invitae indicates that this missense variant is expected to disrupt YARS2 protein function. In summary, the available evidence is currently insufficient to determine the role of this variant in disease. Therefore, it has been classified as a Variant of Uncertain Significance.

NM_001040436.3(YARS2):c.5C>T (p.Ala2Val)

Gene: YARS2 (tyrosyl-tRNA synthetase 2; minus strand). Cytogenetic location: 12p11.21.
Variant type: single nucleotide variant.
Coding change: c.5C>T on transcript NM_001040436.3 (MANE Select); coding-DNA position 5, C replaced by T.
Protein change: p.Ala2Val; replaces alanine 2 with valine.
Molecular consequence: missense variant.
Genome position (GRCh38, 1-based): chr12:32,755,870, G>A on the plus strand (C>T on the coding strand, the complement: YARS2 is on the minus strand). VCF-style: chr12-32755870-G-A. GRCh37 (hg19) VCF-style: chr12-32908804-G-A.
Other names: short protein forms A2V.
Identifiers: ClinVar variation 2150441 (VCV002150441.1), dbSNP rs761092249, ClinGen allele CA6508262.